The following is an entry in ClinVar:

NM_000390.4(CHM):c.1350-15_1350-10del

Gene: CHM (CHM Rab escort protein; minus strand). Cytogenetic location: Xq21.2.
Variant type: Deletion.
Coding change: c.1350-15_1350-10del on transcript NM_000390.4 (MANE Select); 15 bases into the intron before coding-DNA position 1350 through 10 bases into the intron before coding-DNA position 1350, 6 bases deleted (TTTTGT; older notation c.1350-15_1350-10delTTTTGT).
Molecular consequence: intron variant.
Genome position (GRCh38, 1-based): chrX:85,900,719-85,900,724, ACAAAA deleted on the plus strand (TTTTGT on the coding strand, the reverse complement: CHM is on the minus strand). VCF-style (leftmost placement, unchanged base first): chrX-85900718-CACAAAA-C. GRCh37 (hg19) VCF-style: chrX-85155723-CACAAAA-C.
Other names: c.906-15_906-10del (NM_001362519.1, NM_001362517.1, NM_001320959.1 and 1 more transcripts).
Identifiers: ClinVar variation 954013 (VCV000954013.7), dbSNP rs1926214121, ClinGen allele CA1139667706.

ClinVar aggregate classification (germline): Uncertain significance (1 of 4 stars; one submission).

Submission:

Labcorp Genetics (formerly Invitae), Labcorp
Classification: Uncertain significance. Last evaluated: 2024-12-23. Review status: criteria provided, single submitter. Criteria: Invitae Variant Classification Sherloc (09022015). Collection method: clinical testing. Allele origin: germline.
Comment: This sequence change falls in intron 10 of the CHM gene. It does not directly change the encoded amino acid sequence of the CHM protein. This variant is not present in population databases (gnomAD no frequency). This variant has not been reported in the literature in individuals affected with CHM-related conditions. ClinVar contains an entry for this variant (Variation ID: 954013). Algorithms developed to predict the effect of sequence changes on RNA splicing suggest that this variant may disrupt the consensus splice site. In summary, the available evidence is currently insufficient to determine the role of this variant in disease. Therefore, it has been classified as a Variant of Uncertain Significance.